The following is an entry in ClinVar:

NM_001378457.1(DMXL2):c.6431G>A (p.Arg2144Gln)

Gene: DMXL2 (Dmx like 2; minus strand). Cytogenetic location: 15q21.2.
Variant type: single nucleotide variant.
Coding change: c.6431G>A on transcript NM_001378457.1 (MANE Select); coding-DNA position 6431, G replaced by A.
Protein change: p.Arg2144Gln; replaces arginine 2144 with glutamine.
Molecular consequence: missense variant. On other transcripts: non-coding transcript variant (2).
Genome position (GRCh38, 1-based): chr15:51,480,675, C>T on the plus strand (G>A on the coding strand, the complement: DMXL2 is on the minus strand). VCF-style: chr15-51480675-C-T. GRCh37 (hg19) VCF-style: chr15-51772872-C-T.
Other names: c.6431G>A, p.Arg2144Gln (NM_001174116.3, NM_001378458.1, NM_001378459.1 and 4 more transcripts); c.4523G>A, p.Arg1508Gln (NM_001174117.3); c.4412G>A, p.Arg1471Gln (NM_001378460.1); c.6191G>A, p.Arg2064Gln (NM_001378464.1); short protein forms R2064Q, R1471Q, R2144Q, R1508Q.
Identifiers: ClinVar variation 2117184 (VCV002117184.4), dbSNP rs377032691, ClinGen allele CA7561634.

ClinVar aggregate classification (germline): Uncertain significance (1 of 4 stars; one submission).

gnomAD v4.1: 3 of 1,612,734 alleles (0.00019%); highest among the groups gnomAD compares: East Asian, 0.0022%; no homozygotes.

Submission:

Labcorp Genetics (formerly Invitae), Labcorp
Classification: Uncertain significance. Last evaluated: 2022-08-16. Review status: criteria provided, single submitter. Criteria: Invitae Variant Classification Sherloc (09022015). Collection method: clinical testing. Allele origin: germline.
Comment: In summary, the available evidence is currently insufficient to determine the role of this variant in disease. Therefore, it has been classified as a Variant of Uncertain Significance. Algorithms developed to predict the effect of missense changes on protein structure and function are either unavailable or do not agree on the potential impact of this missense change (SIFT: "Deleterious"; PolyPhen-2: "Probably Damaging"; Align-GVGD: "Class C0"). This sequence change replaces arginine, which is basic and polar, with glutamine, which is neutral and polar, at codon 2144 of the DMXL2 protein (p.Arg2144Gln). This variant is present in population databases (rs377032691, gnomAD 0.002%). This variant has not been reported in the literature in individuals affected with DMXL2-related conditions.